The following is an entry in ClinVar:

NM_001368894.2(PAX6):c.528G>A (p.Trp176Ter)

Gene: PAX6 (paired box 6; minus strand). Cytogenetic location: 11p13.
Variant type: single nucleotide variant.
Coding change: c.528G>A on transcript NM_001368894.2 (MANE Select); coding-DNA position 528, G replaced by A.
Protein change: p.Trp176Ter; replaces tryptophan 176 with a stop codon.
Molecular consequence: nonsense. On other transcripts: non-coding transcript variant (2).
Genome position (GRCh38, 1-based): chr11:31,800,728, C>T on the plus strand (G>A on the coding strand, the complement: PAX6 is on the minus strand). VCF-style: chr11-31800728-C-T. GRCh37 (hg19) VCF-style: chr11-31822276-C-T.
Other names: c.603G>A, p.Trp201Ter (NM_001368918.2, NM_001368919.2); c.561G>A, p.Trp187Ter (NM_001368920.2); c.78G>A, p.Trp26Ter (NM_001368929.2, NM_001368899.2, NM_001368900.2 and 11 more transcripts); c.327G>A, p.Trp109Ter (NM_001368921.2, NM_001368922.2, NM_001368923.2 and 4 more transcripts); c.528G>A, p.Trp176Ter (NM_001368912.2, NM_001368913.2, NM_001368914.2 and 6 more transcripts); c.486G>A, p.Trp162Ter (NM_001368915.2, NM_001368916.2, NM_001368917.2 and 10 more transcripts); c.285G>A, p.Trp95Ter (NM_001368928.2); c.729G>A, p.Trp243Ter (NM_001368910.2); and 1 more; short protein forms W162*, W109*, W176*, W187*, W177*, W201*, W243*, W26*.
Identifiers: ClinVar variation 379847 (VCV000379847.10), dbSNP rs1057520755, ClinGen allele CA16605908.
Genomic context (GRCh38, chr11:31,800,728, plus strand): 5'-GTGGATGGCTGCTTGGGTTTTACCTTGCGTAGGTTGCCCTGGCACCGAAGTCCCCGGATA[C>T]CAACCAGGGCGGGTGCCCCAGCTTCCGGTCTGCCCGTTCAACATCCTTAGTTTATCATAC-3'

ClinVar aggregate classification (germline): Pathogenic/Likely pathogenic. Review status: criteria provided, multiple submitters, no conflicts (2 of 4 stars). 2 submissions from 2 submitters: Pathogenic (1); Likely pathogenic (1). Last evaluated 2023-09-21.

Conditions:
Aniridia 1 (AN1). Identifiers: Orphanet 250923, MedGen C0344542, MONDO:0024507, OMIM 106210.
Irido-corneo-trabecular dysgenesis (ASGD5). Also called: ANTERIOR SEGMENT DYSGENESIS 5. Identifiers: Orphanet 708, MedGen C0344559, MONDO:0011414, OMIM 604229, HP:0000659.

Submissions (2):

Labcorp Genetics (formerly Invitae), Labcorp
Classification: Pathogenic for Aniridia 1; Irido-corneo-trabecular dysgenesis. Last evaluated: 2023-09-21. Review status: criteria provided, single submitter. Criteria: Invitae Variant Classification Sherloc (09022015). Collection method: clinical testing. Allele origin: germline.
Comment: For these reasons, this variant has been classified as Pathogenic. ClinVar contains an entry for this variant (Variation ID: 379847). This variant has not been reported in the literature in individuals affected with PAX6-related conditions. This variant is not present in population databases (gnomAD no frequency). This sequence change creates a premature translational stop signal (p.Trp162*) in the PAX6 gene. It is expected to result in an absent or disrupted protein product. Loss-of-function variants in PAX6 are known to be pathogenic (PMID: 12634864).

GeneDx
Classification: Likely pathogenic. Last evaluated: 2022-12-02. Review status: criteria provided, single submitter. Criteria: GeneDx Variant Classification Process June 2021. Collection method: clinical testing. Allele origin: germline. Affected: yes.
Comment: Nonsense variant predicted to result in protein truncation or nonsense mediated decay in a gene for which loss of function is a known mechanism of disease; Not observed at significant frequency in large population cohorts (gnomAD); Has not been previously published as pathogenic or benign to our knowledge

Literature cited by the submitters: PubMed 12634864 (cited by Labcorp Genetics (formerly Invitae), Labcorp).